The following is an entry in ClinVar:

ClinVar aggregate classification (germline): Uncertain significance (1 of 4 stars; one submission).

Submission:

Labcorp Genetics (formerly Invitae), Labcorp
Classification: Uncertain significance. Last evaluated: 2024-08-31. Review status: criteria provided, single submitter. Criteria: Invitae Variant Classification Sherloc (09022015). Collection method: clinical testing. Allele origin: germline.
Comment: This variant, c.2599_2601del, results in the deletion of 1 amino acid(s) of the AP3D1 protein (p.Lys867del), but otherwise preserves the integrity of the reading frame. This variant is not present in population databases (gnomAD no frequency). This variant has not been reported in the literature in individuals affected with AP3D1-related conditions. Algorithms developed to predict the effect of sequence changes on RNA splicing suggest that this variant may disrupt the consensus splice site. In summary, the available evidence is currently insufficient to determine the role of this variant in disease. Therefore, it has been classified as a Variant of Uncertain Significance.

NM_001261826.3(AP3D1):c.2596AAG[1] (p.Lys867del)

Gene: AP3D1 (adaptor related protein complex 3 subunit delta 1; minus strand). Cytogenetic location: 19p13.3.
Variant type: Microsatellite.
Coding change: c.2596AAG[1] on transcript NM_001261826.3 (MANE Select); one copy of the 3-base unit AAG starting at c.2596; the reference has two copies in a row; one copy, 3 bases deleted.
Protein change: p.Lys867del; deletes lysine 867.
Genome position (GRCh38, 1-based): chr19:2,114,125-2,114,127, CTT deleted on the plus strand (AAG on the coding strand, the reverse complement: AP3D1 is on the minus strand); deleting any 3 consecutive bases within chr19:2,114,125-2,114,132 gives the same sequence; the position shown is the placement nearest the transcript's 3' end. VCF-style (leftmost placement, unchanged base first): chr19-2114124-CCTT-C. GRCh37 (hg19) VCF-style: chr19-2114123-CCTT-C.
Other names: c.2596AAG[1], p.Lys867del (NM_001374799.1); c.2594_2596AGA[1], p.Lys868del (NM_003938.8); short protein forms K867del, K868del.
Identifiers: ClinVar variation 3701703 (VCV003701703.2).
Genomic context (GRCh38, chr19:2,114,124, plus strand): 5'-CTGGGAGTTCACGGCAAGGGAGGGGAATGGAGAAGGCCGCCGCCCTGGGCACTAGCCTTA[CCTT>C]CTTCTCCTTCTCCTTCTTCTTCTCCTTGTCTCTCTCTTTCTCTTTGTGTTTTTTCTCTTT-3'